The following is an entry in ClinVar:

NM_000330.4(RS1):c.37C>T (p.Leu13Phe)

Gene: RS1 (retinoschisin 1; minus strand). Cytogenetic location: Xp22.13.
Variant type: single nucleotide variant.
Coding change: c.37C>T on transcript NM_000330.4 (MANE Select); coding-DNA position 37, C replaced by T.
Protein change: p.Leu13Phe; replaces leucine 13 with phenylalanine.
Molecular consequence: missense variant.
Genome position (GRCh38, 1-based): chrX:18,672,032, G>A on the plus strand (C>T on the coding strand, the complement: RS1 is on the minus strand). VCF-style: chrX-18672032-G-A. GRCh37 (hg19) VCF-style: chrX-18690152-G-A.
Other names: NM_000330.4(RS1):c.37C>T; p.Leu13Phe; short protein forms L13F.
Identifiers: ClinVar variation 1421996 (VCV001421996.9), dbSNP rs767155536, ClinGen allele CA10360833.
Genomic context (GRCh38, chrX:18,672,032, plus strand): 5'-ATGTATTAAGTATGCAATGAATGTCAATGGTTGAATAGCACATACCTTCATAGCCAAAGA[G>A]AAGTAATAACAAAAAGCCTTCTATCTTGCGTGACATCTTCCCCTCGTCCTCGGCCAAAGC-3'
Protein context (NP_000321.1, residues 3-23): RKIEGFLLLL[Leu13Phe]FGYEATLGLS

ClinVar aggregate classification (germline): Uncertain significance. Review status: reviewed by expert panel (3 of 4 stars). 2 submissions from 2 submitters: Uncertain significance (1). 1 of the submissions does not count toward it. Last evaluated 2025-05-19.

Conditions:
Juvenile retinoschisis (RS1). Also called: X-linked retinoschisis; X-Linked Juvenile Retinoschisis. Identifiers: Orphanet 792, MedGen C3714753, MONDO:0010725, OMIM 312700.

Allele frequency attached by ClinVar (database versions not stated): ExAC 0.00001; TOPMed 0.00004; gnomAD 0.00005 and 0.00006.
gnomAD v4.1: 7 of 1,208,530 alleles (0.00058%); highest among the groups gnomAD compares: African/African-American, 0.011%; no homozygotes.

Submissions (2):

ClinGen X-linked Inherited Retinal Disease Variant Curation Expert Panel, ClinGen
Classification: Uncertain significance for Juvenile retinoschisis. Last evaluated: 2025-05-19. Review status: reviewed by expert panel. Criteria: ClinGen X LinkedIRD ACMG Specifications RS1 V1.0.0. Collection method: curation. Allele origin: germline. Inheritance: X-linked inheritance.
Comment: The NM_000330.4(RS1):c.37C>T variant is a missense variant encoding the substitution of Leucine with Phenylalanine at amino acid 13. HEK293 and COS7 cells exogenously expressing the variant exhibit loss of RS1 secretion into the medium relative to the wild-type control (PMIDs: 20809529, 12746437, PS3_Supporting). This variant is present in gnomAD v.4.1.0 at a frequency of 0.00001010 among hemizygous individuals, with 4 variant alleles / 396100 total hemizygous alleles, which is between the ClinGen X-linked IRD VCEP PM2_Supporting and BS1 thresholds of <0.000002 and >0.00002 and fails to meet these criteria. The computational predictor REVEL gives a score of 0.444, which is between the ClinGen X-linked IRD VCEP thresholds of >0.664 and <0.290 and does not predict a damaging effect on RS1 function. Additionally, the splicing impact predictor SpliceAI gives a score of 0.01, which is below the ClinGen X-linked IRD VCEP recommended threshold of ≥0.2 and does not strongly predict an impact on splicing. Collectively, both BP4 and PP3 do not apply. In summary, this variant is classified as a variant of uncertain significance for X-linked retinoschisis based on the ClinGen X-linked Inherited Retinal Disease Expert Panel Specifications to the ACMG/AMP Variant Interpretation Guidelines for RS1 Version 1.0.0: PS3_supporting (date of approval 01/24/2025).

Labcorp Genetics (formerly Invitae), Labcorp
Classification: Uncertain significance. Last evaluated: 2024-10-24. Review status: criteria provided, single submitter. Criteria: Invitae Variant Classification Sherloc (09022015). Collection method: clinical testing. Allele origin: germline. Not counted in ClinVar's aggregate classification.
Comment: This sequence change replaces leucine, which is neutral and non-polar, with phenylalanine, which is neutral and non-polar, at codon 13 of the RS1 protein (p.Leu13Phe). This variant is present in population databases (rs767155536, gnomAD 0.008%). This variant has not been reported in the literature in individuals affected with RS1-related conditions. ClinVar contains an entry for this variant (Variation ID: 1421996). Invitae Evidence Modeling of protein sequence and biophysical properties (such as structural, functional, and spatial information, amino acid conservation, physicochemical variation, residue mobility, and thermodynamic stability) indicates that this missense variant is expected to disrupt RS1 protein function with a positive predictive value of 95%. Experimental studies have shown that this missense change does not substantially affect RS1 function (PMID: 20809529). In summary, the available evidence is currently insufficient to determine the role of this variant in disease. Therefore, it has been classified as a Variant of Uncertain Significance.

Literature cited by the submitters: PubMed 20809529 (cited by Labcorp Genetics (formerly Invitae), Labcorp).